The following is an entry in ClinVar:

ClinVar aggregate classification (germline): Uncertain significance. Review status: criteria provided, multiple submitters, no conflicts (2 of 4 stars). 2 submissions from 2 submitters: Uncertain significance (2). Last evaluated 2025-07-14.

Conditions:
Mosaic variegated aneuploidy syndrome 1 (MVA1). Also called: Warburton-Anyane-Yeboa syndrome. Identifiers: Orphanet 1052, MedGen C1850343, MONDO:0009759, OMIM 257300.
Inborn genetic diseases. Identifiers: MedGen C0950123, MeSH D030342.

Allele frequency attached by ClinVar (database versions not stated): gnomAD below 0.00001 and 0.00001; gnomAD exomes below 0.00001; TOPMed below 0.00001.
gnomAD v4.1: 4 of 1,613,040 alleles (0.00025%); highest among the groups gnomAD compares: South Asian, 0.0011%; no homozygotes.

Submissions (2):

Ambry Genetics
Classification: Uncertain significance for Inborn genetic diseases. Last evaluated: 2025-07-14. Review status: criteria provided, single submitter. Criteria: Ambry Variant Classification Scheme 2023. Collection method: clinical testing. Allele origin: germline.
Comment: The p.R104G variant (also known as c.310A>G), located in coding exon 4 of the BUB1B gene, results from an A to G substitution at nucleotide position 310. The arginine at codon 104 is replaced by glycine, an amino acid with dissimilar properties. This amino acid position is conserved. In addition, this alteration is predicted to be deleterious by in silico analysis. Based on the available evidence, the clinical significance of this variant remains unclear.

Labcorp Genetics (formerly Invitae), Labcorp
Classification: Uncertain significance for Mosaic variegated aneuploidy syndrome 1. Last evaluated: 2022-10-14. Review status: criteria provided, single submitter. Criteria: Invitae Variant Classification Sherloc (09022015). Collection method: clinical testing. Allele origin: germline.
Comment: This sequence change replaces arginine, which is basic and polar, with glycine, which is neutral and non-polar, at codon 104 of the BUB1B protein (p.Arg104Gly). In summary, the available evidence is currently insufficient to determine the role of this variant in disease. Therefore, it has been classified as a Variant of Uncertain Significance. Algorithms developed to predict the effect of missense changes on protein structure and function are either unavailable or do not agree on the potential impact of this missense change (SIFT: "Tolerated"; PolyPhen-2: "Probably Damaging"; Align-GVGD: "Class C0"). ClinVar contains an entry for this variant (Variation ID: 840388). This variant has not been reported in the literature in individuals affected with BUB1B-related conditions. This variant is not present in population databases (gnomAD no frequency).

NM_001211.6(BUB1B):c.310A>G (p.Arg104Gly)

Gene: BUB1B (BUB1 mitotic checkpoint serine/threonine kinase B; plus strand). Cytogenetic location: 15q15.1.
Variant type: single nucleotide variant.
Coding change: c.310A>G on transcript NM_001211.6 (MANE Select); coding-DNA position 310, A replaced by G.
Protein change: p.Arg104Gly; replaces arginine 104 with glycine.
Molecular consequence: missense variant.
Genome position (GRCh38, 1-based): chr15:40,170,607, A>G. VCF-style: chr15-40170607-A-G. GRCh37 (hg19) VCF-style: chr15-40462808-A-G.
Other names: short protein forms R104G.
Identifiers: ClinVar variation 840388 (VCV000840388.10), dbSNP rs2037150605, ClinGen allele CA391679139.